The following is an entry in ClinVar:

ClinVar aggregate classification (germline): Uncertain significance (1 of 4 stars; one submission).

Allele frequency attached by ClinVar (database versions not stated): gnomAD exomes 0.00001; TOPMed 0.00001; ExAC 0.00002.
gnomAD v4.1: 12 of 1,614,184 alleles (0.00074%); highest among the groups gnomAD compares: East Asian, 0.0045%; 1 homozygote.

Submission:

Labcorp Genetics (formerly Invitae), Labcorp
Classification: Uncertain significance. Last evaluated: 2024-12-02. Review status: criteria provided, single submitter. Criteria: Invitae Variant Classification Sherloc (09022015). Collection method: clinical testing. Allele origin: germline.
Comment: This sequence change replaces isoleucine, which is neutral and non-polar, with valine, which is neutral and non-polar, at codon 411 of the TTLL5 protein (p.Ile411Val). This variant is present in population databases (rs751880434, gnomAD 0.01%). This variant has not been reported in the literature in individuals affected with TTLL5-related conditions. ClinVar contains an entry for this variant (Variation ID: 1920489). Invitae Evidence Modeling of protein sequence and biophysical properties (such as structural, functional, and spatial information, amino acid conservation, physicochemical variation, residue mobility, and thermodynamic stability) indicates that this missense variant is not expected to disrupt TTLL5 protein function with a negative predictive value of 80%. In summary, the available evidence is currently insufficient to determine the role of this variant in disease. Therefore, it has been classified as a Variant of Uncertain Significance.

NM_015072.5(TTLL5):c.1231A>G (p.Ile411Val)

Gene: TTLL5 (tubulin tyrosine ligase like 5; plus strand). Cytogenetic location: 14q24.3.
Variant type: single nucleotide variant.
Coding change: c.1231A>G on transcript NM_015072.5 (MANE Select); coding-DNA position 1231, A replaced by G.
Protein change: p.Ile411Val; replaces isoleucine 411 with valine.
Molecular consequence: missense variant.
Genome position (GRCh38, 1-based): chr14:75,735,239, A>G. VCF-style: chr14-75735239-A-G. GRCh37 (hg19) VCF-style: chr14-76201582-A-G.
Other names: short protein forms I411V.
Identifiers: ClinVar variation 1920489 (VCV001920489.5), dbSNP rs751880434, ClinGen allele CA7279294.